The following is an entry in ClinVar:

NM_000404.4(GLB1):c.203G>T (p.Arg68Leu)

Gene: GLB1 (galactosidase beta 1; minus strand). Cytogenetic location: 3p22.3.
Variant type: single nucleotide variant.
Coding change: c.203G>T on transcript NM_000404.4 (MANE Select); coding-DNA position 203, G replaced by T.
Protein change: p.Arg68Leu; replaces arginine 68 with leucine.
Molecular consequence: missense variant.
Genome position (GRCh38, 1-based): chr3:33,072,586, C>A on the plus strand (G>T on the coding strand, the complement: GLB1 is on the minus strand). VCF-style: chr3-33072586-C-A. GRCh37 (hg19) VCF-style: chr3-33114078-C-A.
Other names: c.203G>T (NM_000404.3); c.113G>T, p.Arg38Leu (NM_001079811.3); c.203G>T, p.Arg68Leu (NM_001135602.3, NM_001393580.1); c.347G>T, p.Arg116Leu (NM_001317040.2); short protein forms R38L, R68L, R116L.
Identifiers: ClinVar variation 1482642 (VCV001482642.9), dbSNP rs572237881, ClinGen allele CA351996448.
Genomic context (GRCh38, chr3:33,072,586, plus strand): 5'-ACATGCCCTCCTACTTACGTCTGGATGGCGTTCAGCCCAGCCATCTTCATCTTCAGCAGC[C>A]GGTCCTTCCAGTAGAAGCGGGGCACACGGGAGTAGTGAATGCTTCCTGAGATGTAGCGAA-3'
Protein context (NP_000395.3, residues 58-78): SRVPRFYWKD[Arg68Leu]LLKMKMAGLN

ClinVar aggregate classification (germline): Conflicting classifications of pathogenicity. Review status: criteria provided, conflicting classifications (1 of 4 stars). 2 submissions from 2 submitters: Likely pathogenic (1); Uncertain significance (1). Last evaluated 2025-12-22.

Conditions:
GM1 gangliosidosis. Identifiers: Orphanet 354, MedGen C0085131, MONDO:0018149.
Mucopolysaccharidosis, MPS-IV-B (MPS4B). Also called: MORQUIO SYNDROME B; Mucopolysaccharidosis Type IVB (Morquio B Disease); Mucopolysaccharidosis type 4B; Mucopolysaccharidosis type IVB (Morquio); MPS IVB; Mucopolysaccharidosis type IV B. Identifiers: Orphanet 309310, Orphanet 582, MedGen C0086652, MONDO:0009660, OMIM 253010.

Submissions (2):

Labcorp Genetics (formerly Invitae), Labcorp
Classification: Likely pathogenic for Mucopolysaccharidosis, MPS-IV-B; GM1 gangliosidosis. Last evaluated: 2025-12-22. Review status: criteria provided, single submitter. Criteria: Invitae Variant Classification Sherloc (09022015). Collection method: clinical testing. Allele origin: germline.
Comment: This sequence change replaces arginine, which is basic and polar, with leucine, which is neutral and non-polar, at codon 68 of the GLB1 protein (p.Arg68Leu). This variant is not present in population databases (gnomAD no frequency). This variant has not been reported in the literature in individuals affected with GLB1-related conditions. ClinVar contains an entry for this variant (Variation ID: 1482642). Invitae Evidence Modeling of protein sequence and biophysical properties (such as structural, functional, and spatial information, amino acid conservation, physicochemical variation, residue mobility, and thermodynamic stability) indicates that this missense variant is expected to disrupt GLB1 protein function with a positive predictive value of 95%. This variant disrupts the p.Arg68 amino acid residue in GLB1. Other variant(s) that disrupt this residue have been determined to be pathogenic (PMID: 12644936, 25936995). This suggests that this residue is clinically significant, and that variants that disrupt this residue are likely to be disease-causing. In summary, the currently available evidence indicates that the variant is pathogenic, but additional data are needed to prove that conclusively. Therefore, this variant has been classified as Likely Pathogenic.

Women's Health and Genetics/Laboratory Corporation of America, LabCorp
Classification: Uncertain significance. Last evaluated: 2025-07-25. Review status: criteria provided, single submitter. Criteria: LabCorp Variant Classification Summary - May 2015. Collection method: clinical testing. Allele origin: germline.
Comment: Variant summary: GLB1 c.203G>T (p.Arg68Leu) results in a non-conservative amino acid change located in the Glycoside hydrolase 35, catalytic domain (IPR031330) of the encoded protein sequence. Algorithms developed to predict the effect of missense changes on protein structure and function all suggest that this variant is likely to be disruptive. The variant was absent in 249456 control chromosomes. The available data on variant occurrences in the general population are insufficient to allow any conclusion about variant significance. To our knowledge, no occurrence of c.203G>T in individuals affected with Mucopolysaccharidosis Type IVB (Morquio Syndrome B) and no experimental evidence demonstrating its impact on protein function have been reported. A different variant affecting the same codon has been classified as likely pathogenic/pathogenic by our lab (c.203G>A, p.Arg68Gln), supporting the critical relevance of codon 68 to GLB1 protein function. ClinVar contains an entry for this variant (Variation ID: 1482642). Based on the evidence outlined above, the variant was classified as uncertain significance.

Literature cited by the submitters: PubMed 12644936 (cited by Labcorp Genetics (formerly Invitae), Labcorp); PubMed 25936995 (cited by Labcorp Genetics (formerly Invitae), Labcorp).